The following is an entry in ClinVar:

NM_000057.4(BLM):c.3839C>G (p.Ser1280Ter)

Gene: BLM (BLM RecQ like helicase; plus strand). Cytogenetic location: 15q26.1.
Variant type: single nucleotide variant.
Coding change: c.3839C>G on transcript NM_000057.4 (MANE Select); coding-DNA position 3839, C replaced by G.
Protein change: p.Ser1280Ter; replaces serine 1280 with a stop codon.
Molecular consequence: nonsense.
Genome position (GRCh38, 1-based): chr15:90,809,224, C>G. VCF-style: chr15-90809224-C-G. GRCh37 (hg19) VCF-style: chr15-91352454-C-G.
Other names: c.3839C>G, p.Ser1280Ter (NM_001287246.2); c.3446C>G, p.Ser1149Ter (NM_001287247.2); c.2714C>G, p.Ser905Ter (NM_001287248.2); c.3839C>G (NM_000057.3); short protein forms S1149*, S1280*, S905*.
Identifiers: ClinVar variation 2418215 (VCV002418215.11), dbSNP rs1897349804, ClinGen allele CA393849775.

ClinVar aggregate classification (germline): Pathogenic/Likely pathogenic. Review status: criteria provided, multiple submitters, no conflicts (2 of 4 stars). 4 submissions from 4 submitters: Pathogenic (3); Likely pathogenic (1). Last evaluated 2025-03-21.

Conditions:
Hereditary cancer-predisposing syndrome. Also called: Tumor predisposition; Hereditary Cancer Syndrome; Neoplastic Syndromes, Hereditary; Hereditary neoplastic syndrome. Identifiers: Orphanet 140162, MedGen C0027672, MeSH D009386, MONDO:0015356.
Bloom syndrome (BLM). Also called: Bloom-Torre-Machacek syndrome. Identifiers: Orphanet 125, MedGen C0005859, MONDO:0008876, OMIM 210900.

Allele frequency attached by ClinVar (database versions not stated): gnomAD 0.00002.

Submissions (4):

Natera, Inc.
Classification: Likely pathogenic for Bloom syndrome. Last evaluated: 2025-03-21. Review status: criteria provided, single submitter. Criteria: Natera Variant Classification Schema (03/2026). Collection method: clinical testing. Allele origin: germline.
Comment: The c.3839C>G variant in BLM is a nonsense variant predicted to introduce a stop codon at amino acid 1280. This variant is expected to result in nonsense mediated decay, truncation, or a dysfunctional protein product. This variant is rare in the general population with a frequency below the threshold expected for the associated phenotype(s). Given the available evidence, this variant is classified as Likely Pathogenic.

Baylor Genetics
Classification: Pathogenic for Bloom syndrome. Last evaluated: 2023-10-18. Review status: criteria provided, single submitter. Criteria: ACMG Guidelines, 2015. Collection method: clinical testing. Allele origin: unknown.

Labcorp Genetics (formerly Invitae), Labcorp
Classification: Pathogenic for Bloom syndrome. Last evaluated: 2023-06-24. Review status: criteria provided, single submitter. Criteria: Invitae Variant Classification Sherloc (09022015). Collection method: clinical testing. Allele origin: germline.
Comment: For these reasons, this variant has been classified as Pathogenic. ClinVar contains an entry for this variant (Variation ID: 2418215). This variant has not been reported in the literature in individuals affected with BLM-related conditions. This variant is not present in population databases (gnomAD no frequency). This sequence change creates a premature translational stop signal (p.Ser1280*) in the BLM gene. It is expected to result in an absent or disrupted protein product. Loss-of-function variants in BLM are known to be pathogenic (PMID: 17407155).

Ambry Genetics
Classification: Pathogenic for Hereditary cancer-predisposing syndrome. Last evaluated: 2023-06-21. Review status: criteria provided, single submitter. Criteria: Ambry Variant Classification Scheme 2023. Collection method: clinical testing. Allele origin: germline.
Comment: The p.S1280* pathogenic mutation (also known as c.3839C>G), located in coding exon 19 of the BLM gene, results from a C to G substitution at nucleotide position 3839. This changes the amino acid from a serine to a stop codon within coding exon 19. This variant is considered to be rare based on population cohorts in the Genome Aggregation Database (gnomAD). This alteration is expected to result in loss of function by premature protein truncation or nonsense-mediated mRNA decay. As such, this alteration is interpreted as a disease-causing mutation.

Literature cited by the submitters: PubMed 17407155 (cited by Labcorp Genetics (formerly Invitae), Labcorp).